The following is an entry in ClinVar:

NM_024312.5(GNPTAB):c.1269del (p.Ser424fs)

Gene: GNPTAB (N-acetylglucosamine-1-phosphate transferase subunits alpha and beta; minus strand). Cytogenetic location: 12q23.2.
Variant type: Deletion.
Coding change: c.1269del on transcript NM_024312.5 (MANE Select); coding-DNA position 1269, one base deleted (C; older notation c.1269delC).
Protein change: p.Ser424fs; shifts the reading frame from serine 424.
Molecular consequence: frameshift variant.
Genome position (GRCh38, 1-based): chr12:101,770,036, G deleted on the plus strand (C on the coding strand, the reverse complement: GNPTAB is on the minus strand). VCF-style (leftmost placement, unchanged base first): chr12-101770035-AG-A. GRCh37 (hg19) VCF-style: chr12-102163813-AG-A.
Other names: short protein forms S424fs.
Identifiers: ClinVar variation 5013452 (VCV005013452.1).
Genomic context (GRCh38, chr12:101,770,035, plus strand): 5'-TAAGTGACTTCCACGCTAGACAACCCCCCTCCTCTTAGGCACTCACCTTCTGGCCTTTGG[AG>A]TGACTGTAAAAATCATCTGGCCAGACATCCTTCCCAAACATGACATCATCATTTAGGTAA-3'

ClinVar aggregate classification (germline): Pathogenic (1 of 4 stars; one submission).

Conditions:
GNPTAB-mucolipidosis. Also called: UDP-N-acetylglucosamine-1-phosphotransferase subunit alpha/beta deficiency. Identifiers: MedGen CN322573, MONDO:0100122.

Submission:

Myriad Genetics, Inc.
Classification: Pathogenic for GNPTAB-mucolipidosis. Last evaluated: 2024-08-14. Review status: criteria provided, single submitter. Criteria: Myriad Autosomal Dominant, Autosomal Recessive and X-Linked Classification Criteria (2023). Collection method: clinical testing. Allele origin: unknown.
Comment: NM_024312.4(GNPTAB):c.1269delC(S424Pfs*8) is expected to be pathogenic in the context of GNPTAB-related disorders. This variant is predicted to lead to an abnormal or absent protein product due to the creation of a premature termination codon in GNPTAB, a gene where loss-of-function variants are known to be pathogenic. Please note: this variant was assessed in the context of healthy population screening.